The following is an entry in ClinVar:

NM_001005242.3(PKP2):c.1936A>G (p.Ile646Val)

Gene: PKP2 (plakophilin 2; minus strand). Cytogenetic location: 12p11.21.
Variant type: single nucleotide variant.
Coding change: c.1936A>G on transcript NM_001005242.3 (MANE Select); coding-DNA position 1936, A replaced by G.
Protein change: p.Ile646Val; replaces isoleucine 646 with valine.
Molecular consequence: missense variant.
Genome position (GRCh38, 1-based): chr12:32,821,433, T>C on the plus strand (A>G on the coding strand, the complement: PKP2 is on the minus strand). VCF-style: chr12-32821433-T-C. GRCh37 (hg19) VCF-style: chr12-32974367-T-C.
Other names: c.1936A>G, p.Ile646Val (NM_001407155.1, NM_001407161.1); c.1771A>G, p.Ile591Val (NM_001407156.1); c.2068A>G, p.Ile690Val (NM_001407157.1, NM_004572.4); c.1609A>G, p.Ile537Val (NM_001407158.1, NM_001407159.1, NM_001407160.1 and 1 more transcripts); short protein forms I537V, I591V, I646V, I690V.
Identifiers: ClinVar variation 3074732 (VCV003074732.1), dbSNP rs2541229446, ClinGen allele CA384361785.

ClinVar aggregate classification (germline): Uncertain significance (1 of 4 stars; one submission).

Conditions:
Arrhythmogenic right ventricular cardiomyopathy (ARVD). Also called: Arrhythmogenic right ventricular dysplasia; Cardiomyopathy, ARVC; Arrhythmogenic cardiomyopathy; Arrhythmogenic Right Ventricular Cardiomyopathy (ARVC). Identifiers: Orphanet 247, MedGen C0349788, MeSH D019571, MONDO:0016587. Disease mechanism: loss of function. Inheritance: Various modes of inheritance.

Submission:

All of Us Research Program, National Institutes of Health
Classification: Uncertain significance for Arrhythmogenic right ventricular cardiomyopathy. Last evaluated: 2023-12-13. Review status: criteria provided, single submitter. Criteria: ACMG Guidelines, 2015. Collection method: clinical testing. Allele origin: germline. Inheritance: Autosomal dominant inheritance. Observed: 1 variant allele, 1 heterozygote.
Comment: This missense variant replaces isoleucine with valine at codon 690 of the PKP2 protein. Computational prediction suggests that this variant may not impact protein structure and function (internally defined REVEL score threshold <= 0.5, PMID: 27666373). To our knowledge, functional studies have not been reported for this variant. This variant has not been reported in individuals affected with PKP2-related disorders in the literature. This variant has not been identified in the general population by the Genome Aggregation Database (gnomAD). The available evidence is insufficient to determine the role of this variant in disease conclusively. Therefore, this variant is classified as a Variant of Uncertain Significance.

This study involves interpretation of variants in research participants for the purpose of population health screening. Participant phenotype was not available at the time of variant classification. Additional details can be found in publication PMID: 35346344, PMCID: PMC8962531